The following is an entry in ClinVar:

ClinVar aggregate classification (germline): Conflicting classifications of pathogenicity. Review status: criteria provided, conflicting classifications (1 of 4 stars). 2 submissions from 2 submitters: Uncertain significance (1); Likely benign (1). Last evaluated 2025-08-29.

Allele frequency attached by ClinVar (database versions not stated): gnomAD 0.00001; TOPMed 0.00001.
gnomAD v4.1: 14 of 1,550,228 alleles (0.0009%); highest among the groups gnomAD compares: East Asian, 0.0073%; no homozygotes.

Submissions (2):

Ambry Genetics
Classification: Uncertain significance. Last evaluated: 2025-08-29. Review status: criteria provided, single submitter. Criteria: Ambry Variant Classification Scheme 2023. Collection method: clinical testing. Allele origin: germline.

CeGaT Center for Human Genetics Tuebingen
Classification: Likely benign. Last evaluated: 2023-08-01. Review status: criteria provided, single submitter. Criteria: CeGaT Center For Human Genetics Tuebingen Variant Classification Criteria Version 2. Collection method: clinical testing. Allele origin: germline. Affected: yes. Observed: 1 variant allele.
Comment: COL6A5: BP4

NM_001278298.2(COL6A5):c.2968C>T (p.Arg990Cys)

Gene: COL6A5 (collagen type VI alpha 5 chain; plus strand). Cytogenetic location: 3q22.1.
Variant type: single nucleotide variant.
Coding change: c.2968C>T on transcript NM_001278298.2 (MANE Select); coding-DNA position 2968, C replaced by T.
Protein change: p.Arg990Cys; replaces arginine 990 with cysteine.
Molecular consequence: missense variant. On other transcripts: non-coding transcript variant (1).
Genome position (GRCh38, 1-based): chr3:130,391,730, C>T. VCF-style: chr3-130391730-C-T. GRCh37 (hg19) VCF-style: chr3-130110573-C-T.
Other names: c.2968C>T (NM_153264.5); c.2968C>T, p.Arg990Cys (NM_001412157.1, NM_153264.7); short protein forms R990C.
Identifiers: ClinVar variation 2654131 (VCV002654131.25), dbSNP rs1365249537, ClinGen allele CA354501326.